The following is an entry in ClinVar:

NM_015331.3(NCSTN):c.2080G>A (p.Ala694Thr)

Gene: NCSTN (nicastrin; plus strand). Cytogenetic location: 1q23.2.
Variant type: single nucleotide variant.
Coding change: c.2080G>A on transcript NM_015331.3 (MANE Select); coding-DNA position 2080, G replaced by A.
Protein change: p.Ala694Thr; replaces alanine 694 with threonine.
Molecular consequence: missense variant.
Genome position (GRCh38, 1-based): chr1:160,358,221, G>A. VCF-style: chr1-160358221-G-A. GRCh37 (hg19) VCF-style: chr1-160328011-G-A.
Other names: c.2020G>A, p.Ala674Thr (NM_001290184.2); c.1666G>A, p.Ala556Thr (NM_001290186.2); c.1867G>A, p.Ala623Thr (NM_001349729.2); short protein forms A556T, A674T, A694T, A623T.
Identifiers: ClinVar variation 1525120 (VCV001525120.8), dbSNP rs2101912217, ClinGen allele CA343283795.

ClinVar aggregate classification (germline): Uncertain significance (1 of 4 stars; one submission).

Allele frequency attached by ClinVar (database versions not stated): gnomAD exomes below 0.00001.
gnomAD v4.1: 1 of 1,614,098 alleles (0.000062%); highest among the groups gnomAD compares: Non-Finnish European, 0.000085%; no homozygotes.

Submission:

Labcorp Genetics (formerly Invitae), Labcorp
Classification: Uncertain significance. Last evaluated: 2022-10-25. Review status: criteria provided, single submitter. Criteria: Invitae Variant Classification Sherloc (09022015). Collection method: clinical testing. Allele origin: germline.
Comment: In summary, the available evidence is currently insufficient to determine the role of this variant in disease. Therefore, it has been classified as a Variant of Uncertain Significance. Advanced modeling of protein sequence and biophysical properties (such as structural, functional, and spatial information, amino acid conservation, physicochemical variation, residue mobility, and thermodynamic stability) performed at Invitae indicates that this missense variant is expected to disrupt NCSTN protein function. ClinVar contains an entry for this variant (Variation ID: 1525120). This variant has not been reported in the literature in individuals affected with NCSTN-related conditions. This variant is not present in population databases (gnomAD no frequency). This sequence change replaces alanine, which is neutral and non-polar, with threonine, which is neutral and polar, at codon 694 of the NCSTN protein (p.Ala694Thr).